The following is an entry in ClinVar:

NM_001171.6(ABCC6):c.4208+9G>A

Gene: ABCC6 (ATP binding cassette subfamily C member 6; minus strand). Cytogenetic location: 16p13.11.
Variant type: single nucleotide variant.
Coding change: c.4208+9G>A on transcript NM_001171.6 (MANE Select); 9 bases into the intron after coding-DNA position 4208, G replaced by A.
Molecular consequence: intron variant.
Genome position (GRCh38, 1-based): chr16:16,154,619, C>T on the plus strand (G>A on the coding strand, the complement: ABCC6 is on the minus strand). VCF-style: chr16-16154619-C-T. GRCh37 (hg19) VCF-style: chr16-16248476-C-T.
Other names: p.?; c.3866+9G>A (NM_001351800.1).
Identifiers: ClinVar variation 433396 (VCV000433396.21), dbSNP rs58760581, ClinGen allele CA7925283.

ClinVar aggregate classification (germline): Benign/Likely benign. Review status: criteria provided, multiple submitters, no conflicts (2 of 4 stars). 12 submissions from 10 submitters: Benign (7); Likely benign (1). 4 of the submissions do not count toward it. Last evaluated 2026-02-04.

Conditions:
Autosomal recessive inherited pseudoxanthoma elasticum (PXE). Identifiers: Orphanet 758, MedGen CN032334, MONDO:0009925, OMIM 264800.
Arterial calcification, generalized, of infancy, 2. Identifiers: Orphanet 51608, MedGen C3276161, MONDO:0013768, OMIM 614473.
Pseudoxanthoma elasticum, forme fruste. Also called: Pseudoxanthoma Elasticum, Incomplete; PSEUDOXANTHOMA ELASTICUM, HETEROZYGOUS. Identifiers: Orphanet 758, MedGen C1867450, MONDO:0008333, OMIM 177850.

Allele frequency attached by ClinVar (database versions not stated): 1000 Genomes Project 30x 0.00734; 1000 Genomes Project 0.00739; TOPMed 0.01052; gnomAD 0.01119 and 0.01212; ESP Exome Variant Server 0.01241; gnomAD exomes 0.01512 and 0.01782; ExAC 0.01599.
gnomAD v4.1: 27,830 of 1,611,610 alleles (1.7%); highest among the groups gnomAD compares: South Asian, 4.2%; 347 homozygotes.

Submissions (12):

Labcorp Genetics (formerly Invitae), Labcorp
Classification: Benign. Last evaluated: 2026-02-04. Review status: criteria provided, single submitter. Criteria: Invitae Variant Classification Sherloc (09022015). Collection method: clinical testing. Allele origin: germline.

Blueprint Genetics
Classification: Likely benign. Last evaluated: 2024-11-28. Review status: criteria provided, single submitter. Criteria: ACMG Guidelines, 2015. Collection method: clinical testing. Allele origin: germline.

Mayo Clinic Laboratories, Mayo Clinic
Classification: Benign. Last evaluated: 2023-06-02. Review status: criteria provided, single submitter. Criteria: ACMG Guidelines, 2015. Collection method: clinical testing. Allele origin: germline. Observed: 3 variant alleles.
Comment: BS1, BS2, BP4, BP7

Genome-Nilou Lab
Classification: Benign for Arterial calcification, generalized, of infancy, 2. Last evaluated: 2021-12-05. Review status: criteria provided, single submitter. Criteria: ACMG Guidelines, 2015. Collection method: clinical testing. Allele origin: germline. Affected: no.

Genome-Nilou Lab
Classification: Benign for Autosomal recessive inherited pseudoxanthoma elasticum. Last evaluated: 2021-12-05. Review status: criteria provided, single submitter. Criteria: ACMG Guidelines, 2015. Collection method: clinical testing. Allele origin: germline. Affected: no.

Genome-Nilou Lab
Classification: Benign for Pseudoxanthoma elasticum, forme fruste. Last evaluated: 2021-12-05. Review status: criteria provided, single submitter. Criteria: ACMG Guidelines, 2015. Collection method: clinical testing. Allele origin: germline. Affected: no.

GeneDx
Classification: Benign. Last evaluated: 2015-03-03. Review status: criteria provided, single submitter. Criteria: GeneDx Variant Classification Process June 2021. Collection method: clinical testing. Allele origin: germline. Affected: yes.

Breakthrough Genomics
Classification: Benign. Review status: criteria provided, single submitter. Criteria: ACMG Guidelines, 2015. Collection method: not provided. Allele origin: germline. Inheritance: Autosomal recessive inheritance. Affected: yes.

PXE International
Classification: Benign for Autosomal recessive inherited pseudoxanthoma elasticum. Last evaluated: 2021-03-01. Review status: no assertion criteria provided. Collection method: research. Allele origin: germline. Inheritance: Autosomal recessive inheritance. Affected: yes. Not counted in ClinVar's aggregate classification.

Clinical Genetics DNA and cytogenetics Diagnostics Lab, Erasmus MC, Erasmus Medical Center
Classification: Likely benign. Review status: no assertion criteria provided. Collection method: clinical testing. Allele origin: germline. Affected: yes. Study: VKGL Data-share Consensus. Not counted in ClinVar's aggregate classification.

Clinical Genetics, Academic Medical Center
Classification: Benign. Review status: no assertion criteria provided. Collection method: clinical testing. Allele origin: germline. Affected: yes. Study: VKGL Data-share Consensus. Not counted in ClinVar's aggregate classification.

Joint Genome Diagnostic Labs from Nijmegen and Maastricht, Radboudumc and MUMC+
Classification: Benign. Review status: no assertion criteria provided. Collection method: clinical testing. Allele origin: germline. Affected: yes. Study: VKGL Data-share Consensus. Not counted in ClinVar's aggregate classification.

Literature cited by the submitters: PubMed 29722917 (cited by Mayo Clinic Laboratories, Mayo Clinic); PubMed 16086317 (cited by PXE International).